The following is an entry in ClinVar:

NM_001384474.1(LOXHD1):c.5070C>A (p.Ile1690=)

Gene: LOXHD1 (lipoxygenase homology PLAT domains 1; minus strand). Cytogenetic location: 18q21.1.
Variant type: single nucleotide variant.
Coding change: c.5070C>A on transcript NM_001384474.1 (MANE Select); coding-DNA position 5070, C replaced by A.
Protein change: p.Ile1690=; no amino-acid change (isoleucine 1690 retained).
Molecular consequence: synonymous variant.
Genome position (GRCh38, 1-based): chr18:46,522,116, G>T on the plus strand (C>A on the coding strand, the complement: LOXHD1 is on the minus strand). VCF-style: chr18-46522116-G-T. GRCh37 (hg19) VCF-style: chr18-44102079-G-T.
Other names: c.1737C>A, p.Ile579= (NM_001145472.3); c.1449C>A, p.Ile483= (NM_001308013.2); c.5070C>A, p.Ile1690= (NM_144612.7).
Identifiers: ClinVar variation 1112010 (VCV001112010.13), dbSNP rs1265155697, ClinGen allele CA503809204.

ClinVar aggregate classification (germline): Likely benign. Review status: criteria provided, multiple submitters, no conflicts (2 of 4 stars). 2 submissions from 2 submitters: Likely benign (2). Last evaluated 2020-11-20.

gnomAD v4.1: 2 of 1,543,290 alleles (0.00013%); no homozygotes.

Submissions (2):

Labcorp Genetics (formerly Invitae), Labcorp
Classification: Likely benign. Last evaluated: 2020-11-20. Review status: criteria provided, single submitter. Criteria: Invitae Variant Classification Sherloc (09022015). Collection method: clinical testing. Allele origin: germline.

Laboratory for Molecular Medicine, Mass General Brigham Personalized Medicine
Classification: Likely benign. Last evaluated: 2020-08-20. Review status: criteria provided, single submitter. Criteria: LMM Criteria. Collection method: clinical testing. Allele origin: germline. Observed: 1 variant allele.
Comment: The p.Ile1690Ile variant in LOXHD1 is classified as likely benign because it does not alter an amino acid residue, is not located within the splice consensus site, and computational splice prediction tools do not predict an impact on splicing. It was absent from large population studies. ACMG/AMP Criteria applied: PM2, BP4, BP7.